The following is an entry in ClinVar:

NM_022463.5(NXN):c.1174G>T (p.Ala392Ser)

Gene: NXN (nucleoredoxin; minus strand). Cytogenetic location: 17p13.3.
Variant type: single nucleotide variant.
Coding change: c.1174G>T on transcript NM_022463.5 (MANE Select); coding-DNA position 1174, G replaced by T.
Protein change: p.Ala392Ser; replaces alanine 392 with serine.
Molecular consequence: missense variant.
Genome position (GRCh38, 1-based): chr17:801,083, C>A on the plus strand (G>T on the coding strand, the complement: NXN is on the minus strand). VCF-style: chr17-801083-C-A. GRCh37 (hg19) VCF-style: chr17-704323-C-A.
Other names: c.850G>T, p.Ala284Ser (NM_001205319.1); short protein forms A284S, A392S.
Identifiers: ClinVar variation 1467618 (VCV001467618.3), dbSNP rs148684832, ClinGen allele CA8263921.

ClinVar aggregate classification (germline): Uncertain significance (1 of 4 stars; one submission).

Allele frequency attached by ClinVar (database versions not stated): gnomAD exomes below 0.00001 and 0.00006; ExAC 0.00001; TOPMed 0.00002; gnomAD 0.00003; ESP Exome Variant Server 0.00008.
gnomAD v4.1: 82 of 1,573,964 alleles (0.0052%); highest among the groups gnomAD compares: Non-Finnish European, 0.0069%; no homozygotes.

Submission:

Labcorp Genetics (formerly Invitae), Labcorp
Classification: Uncertain significance. Last evaluated: 2021-08-31. Review status: criteria provided, single submitter. Criteria: Invitae Variant Classification Sherloc (09022015). Collection method: clinical testing. Allele origin: germline.
Comment: This sequence change replaces alanine with serine at codon 392 of the NXN protein (p.Ala392Ser). The alanine residue is highly conserved and there is a moderate physicochemical difference between alanine and serine. This variant is present in population databases (rs148684832, ExAC 0.002%). This variant has not been reported in the literature in individuals affected with NXN-related conditions. Algorithms developed to predict the effect of missense changes on protein structure and function are either unavailable or do not agree on the potential impact of this missense change (SIFT: "Tolerated"; PolyPhen-2: "Possibly Damaging"; Align-GVGD: "Class C15"). In summary, the available evidence is currently insufficient to determine the role of this variant in disease. Therefore, it has been classified as a Variant of Uncertain Significance.